The following is an entry in ClinVar:

ClinVar aggregate classification (germline): Uncertain significance. Review status: criteria provided, multiple submitters, no conflicts (2 of 4 stars). 2 submissions from 2 submitters: Uncertain significance (2). Last evaluated 2023-06-16.

Conditions:
Deficiency of phosphoserine phosphatase (PSPHD). Also called: Phosphoserine phosphatase deficiency; PSPH deficiency. Identifiers: Orphanet 79350, MedGen C1291463, MONDO:0013531, OMIM 614023.
Inborn genetic diseases. Identifiers: MedGen C0950123, MeSH D030342.

Allele frequency attached by ClinVar (database versions not stated): gnomAD exomes below 0.00001; ExAC 0.00003; gnomAD 0.00006; TOPMed 0.00006; ESP Exome Variant Server 0.00008.

Submissions (2):

Ambry Genetics
Classification: Uncertain significance for Inborn genetic diseases. Last evaluated: 2023-06-16. Review status: criteria provided, single submitter. Criteria: Ambry Variant Classification Scheme 2023. Collection method: clinical testing. Allele origin: germline.

Labcorp Genetics (formerly Invitae), Labcorp
Classification: Uncertain significance for Deficiency of phosphoserine phosphatase. Last evaluated: 2022-08-10. Review status: criteria provided, single submitter. Criteria: Invitae Variant Classification Sherloc (09022015). Collection method: clinical testing. Allele origin: germline.
Comment: This sequence change replaces glutamine, which is neutral and polar, with histidine, which is basic and polar, at codon 204 of the PSPH protein (p.Gln204His). This variant is present in population databases (rs367649146, gnomAD 0.03%). This variant has not been reported in the literature in individuals affected with PSPH-related conditions. Algorithms developed to predict the effect of missense changes on protein structure and function output the following: SIFT: "Tolerated"; PolyPhen-2: "Benign"; Align-GVGD: "Class C0". The histidine amino acid residue is found in multiple mammalian species, which suggests that this missense change does not adversely affect protein function. In summary, the available evidence is currently insufficient to determine the role of this variant in disease. Therefore, it has been classified as a Variant of Uncertain Significance.

NM_004577.4(PSPH):c.612A>C (p.Gln204His)

Gene: PSPH (phosphoserine phosphatase; minus strand). Cytogenetic location: 7p11.2.
Variant type: single nucleotide variant.
Coding change: c.612A>C on transcript NM_004577.4 (MANE Select); coding-DNA position 612, A replaced by C.
Protein change: p.Gln204His; replaces glutamine 204 with histidine.
Molecular consequence: missense variant.
Genome position (GRCh38, 1-based): chr7:56,011,828, T>G on the plus strand (A>C on the coding strand, the complement: PSPH is on the minus strand). VCF-style: chr7-56011828-T-G. GRCh37 (hg19) VCF-style: chr7-56079521-T-G.
Other names: c.612A>C, p.Gln204His (NM_001370503.1, NM_001370504.1, NM_001370505.1 and 17 more transcripts); c.612A>C (NM_004577.3); short protein forms Q204H.
Identifiers: ClinVar variation 2082238 (VCV002082238.3), dbSNP rs367649146, ClinGen allele CA4268593.
Genomic context (GRCh38, chr7:56,011,828, plus strand): 5'-TTCCAGTTCTCCCAGCAGCTCTACAAAATCAGTGATATACCATTTGGCGTTATCCTTGAC[T>G]TGTTGCCTGATCACATTTCCTCCAAATCCAATGAAAGCATCCTAAGAAGGAAGAAAAGAG-3'
Protein context (NP_004568.2, residues 194-214): IGFGGNVIRQ[Gln204His]VKDNAKWYIT